The following is an entry in ClinVar:

NM_006565.4(CTCF):c.1745G>T (p.Gly582Val)

Gene: CTCF (CCCTC-binding factor; plus strand). Cytogenetic location: 16q22.1.
Variant type: single nucleotide variant.
Coding change: c.1745G>T on transcript NM_006565.4 (MANE Select); coding-DNA position 1745, G replaced by T.
Protein change: p.Gly582Val; replaces glycine 582 with valine.
Molecular consequence: missense variant.
Genome position (GRCh38, 1-based): chr16:67,629,441, G>T. VCF-style: chr16-67629441-G-T. GRCh37 (hg19) VCF-style: chr16-67663344-G-T.
Other names: c.761G>T, p.Gly254Val (NM_001191022.2); c.1745G>T, p.Gly582Val (NM_001363916.2); short protein forms G254V, G582V.
Identifiers: ClinVar variation 1031651 (VCV001031651.1), dbSNP rs2052333197, ClinGen allele CA396321669.

ClinVar aggregate classification (germline): Uncertain significance (1 of 4 stars; one submission).

Conditions:
CTCF-related neurodevelopmental disorder. Also called: Intellectual disability-feeding difficulties-developmental delay-microcephaly syndrome; INTELLECTUAL DEVELOPMENTAL DISORDER, AUTOSOMAL DOMINANT 21. Identifiers: Orphanet 363611, MedGen C3809686, MONDO:0014213, OMIM 615502.

Submission:

Baylor Genetics
Classification: Uncertain significance for CTCF-related neurodevelopmental disorder. Last evaluated: 2018-02-06. Review status: criteria provided, single submitter. Criteria: ACMG Guidelines, 2015. Collection method: clinical testing. Allele origin: unknown. Affected: yes.
Comment: This variant was determined to be of uncertain significance according to ACMG Guidelines, 2015 [PMID:25741868].